The following is an entry in ClinVar:

ClinVar aggregate classification (germline): Uncertain significance (1 of 4 stars; one submission).

Conditions:
Long QT syndrome (LQTS). Identifiers: MedGen C0023976, MeSH D008133, MONDO:0002442. Disease mechanism: loss of function. Inheritance: Various modes of inheritance.

gnomAD v4.1: 1 of 1,614,072 alleles (0.000062%); highest among the groups gnomAD compares: African/African-American, 0.0013%; no homozygotes.

Submission:

Labcorp Genetics (formerly Invitae), Labcorp
Classification: Uncertain significance for Long QT syndrome. Last evaluated: 2025-10-18. Review status: criteria provided, single submitter. Criteria: Invitae Variant Classification Sherloc (09022015). Collection method: clinical testing. Allele origin: germline.
Comment: This sequence change replaces methionine, which is neutral and non-polar, with leucine, which is neutral and non-polar, at codon 2219 of the ANK2 protein (p.Met2219Leu). This variant is not present in population databases (gnomAD no frequency). This variant has not been reported in the literature in individuals affected with ANK2-related conditions. ClinVar contains an entry for this variant (Variation ID: 2045360). An algorithm developed to predict the effect of missense changes on protein structure and function outputs the following: PolyPhen-2: "Benign". The leucine amino acid residue is found in multiple mammalian species, which suggests that this missense change does not adversely affect protein function. In summary, the available evidence is currently insufficient to determine the role of this variant in disease. Therefore, it has been classified as a Variant of Uncertain Significance.

NM_001148.6(ANK2):c.6655A>T (p.Met2219Leu)

Gene: ANK2 (ankyrin 2; plus strand). Cytogenetic location: 4q26.
Variant type: single nucleotide variant.
Coding change: c.6655A>T on transcript NM_001148.6 (MANE Select); coding-DNA position 6655, A replaced by T.
Protein change: p.Met2219Leu; replaces methionine 2219 with leucine.
Molecular consequence: missense variant. On other transcripts: intron variant (68).
Genome position (GRCh38, 1-based): chr4:113,355,273, A>T. VCF-style: chr4-113355273-A-T. GRCh37 (hg19) VCF-style: chr4-114276429-A-T.
Other names: c.6421A>T, p.Met2141Leu (NM_001386142.1); c.3055A>T, p.Met1019Leu (NM_001386166.1); c.6796A>T, p.Met2266Leu (NM_001386174.1); c.6772A>T, p.Met2258Leu (NM_001386175.1); c.4411+5024A>T (NM_001386186.2, NM_001386148.2); c.4213+5024A>T (NM_001354269.3); c.4291+5024A>T (NM_001386187.2); c.4252+5024A>T (NM_001386147.1); and 35 more; short protein forms M2141L, M1019L, M2219L, M2258L, M2266L.
Identifiers: ClinVar variation 2045360 (VCV002045360.4), dbSNP rs2505599278, ClinGen allele CA357924848.